The following is an entry in ClinVar:

NM_000540.3(RYR1):c.11266_11267del (p.Gln3756fs)

Gene: RYR1 (ryanodine receptor 1; plus strand). Cytogenetic location: 19q13.2.
Variant type: Deletion.
Coding change: c.11266_11267del on transcript NM_000540.3 (MANE Select); coding-DNA positions 11266 to 11267, 2 bases deleted (CA; older notation c.11266_11267delCA).
Protein change: p.Gln3756fs; shifts the reading frame from glutamine 3756.
Molecular consequence: frameshift variant.
Genome position (GRCh38, 1-based): chr19:38,534,726-38,534,727, CA deleted; deleting any 2 consecutive bases within chr19:38,534,725-38,534,727 gives the same sequence; the c. name uses the placement nearest the transcript's 3' end. VCF-style (leftmost placement, unchanged base first): chr19-38534724-AAC-A. GRCh37 (hg19) VCF-style: chr19-39025364-AAC-A.
Other names: c.11251_11252del, p.Gln3751fs (NM_001042723.2); short protein forms Q3751fs, Q3756fs.
Identifiers: ClinVar variation 3385554 (VCV003385554.1).
Genomic context (GRCh38, chr19:38,534,724, plus strand): 5'-GAAAGGCTGGGCTGGAAAGCCTGGACTTGCCTTCATGTGTCTGCCTCCCTTCCCAGGAGA[AAC>A]AGATGGAGAAGCAGAGGCTCTTGTACCAGCAAGCACGGCTGCACACCCGGGGGGCGGCCG-3'

ClinVar aggregate classification (germline): Uncertain significance (1 of 4 stars; one submission).

Conditions:
Malignant hyperthermia, susceptibility to, 1 (MHS1). Also called: Anesthesia related hyperthermia; Malignant hyperpyrexia; Fulminating hyperpyrexia; Pharmacogenic myopathy; Malignant hyperthermia suceptibility 1; RYR1-Related Malignant Hyperthermia Susceptibility. Identifiers: Orphanet 423, MedGen C2930980, MONDO:0007783, OMIM 145600.

Submission:

All of Us Research Program, National Institutes of Health
Classification: Uncertain significance for Malignant hyperthermia, susceptibility to, 1. Last evaluated: 2024-03-24. Review status: criteria provided, single submitter. Criteria: ACMG Guidelines, 2015. Collection method: clinical testing. Allele origin: germline. Inheritance: Autosomal dominant inheritance. Observed: 1 variant allele, 1 heterozygote.
Comment: This variant deletes 2 nucleotides in exon 79 of the RYR1 gene, creating a frameshift and premature translation stop signal. This variant is expected to result in an absent or non-functional protein product. To our knowledge, this variant has not been reported in individuals affected with RYR1-related disorders in the literature. This variant has not been identified in the general population by the Genome Aggregation Database (gnomAD). Loss of RYR1 function due to truncation variants is not an established disease mechanism for autosomal dominant malignant hyperthermia, although it is associated with other phenotype(s). Due to insufficient evidence, this variant is classified as a Variant of Uncertain Significance for autosomal dominant malignant hyperthermia.

This study involves interpretation of variants in research participants for the purpose of population health screening. Participant phenotype was not available at the time of variant classification. Additional details can be found in publication PMID: 35346344, PMCID: PMC8962531